The following is an entry in ClinVar:

ClinVar aggregate classification (germline): Uncertain significance. Review status: criteria provided, multiple submitters, no conflicts (2 of 4 stars). 2 submissions from 2 submitters: Uncertain significance (2). Last evaluated 2024-08-28.

Conditions:
Myofibrillar myopathy 5. Also called: Filaminopathy (type); FILAMINOPATHY, AUTOSOMAL DOMINANT. Identifiers: Orphanet 171445, MedGen C1836050, MONDO:0012289, OMIM 609524.
Dilated Cardiomyopathy, Dominant.
Hypertrophic cardiomyopathy 26. Also called: Cardiomyopathy, familial hypertrophic, 26. Identifiers: Orphanet 75249, MedGen C4310749, MONDO:0014883, OMIM 617047.
Distal myopathy with posterior leg and anterior hand involvement. Also called: WILLIAMS DISTAL MYOPATHY. Identifiers: Orphanet 63273, MedGen C3279722, MONDO:0013550, OMIM 614065.
Cardiovascular phenotype. Identifiers: MedGen CN230736.

Allele frequency attached by ClinVar (database versions not stated): gnomAD exomes 0.00001; TOPMed 0.00001; gnomAD 0.00003.

Submissions (2):

Ambry Genetics
Classification: Uncertain significance for Cardiovascular phenotype. Last evaluated: 2024-08-28. Review status: criteria provided, single submitter. Criteria: Ambry Variant Classification Scheme 2023. Collection method: clinical testing. Allele origin: germline.
Comment: The p.D184N variant (also known as c.550G>A), located in coding exon 2 of the FLNC gene, results from a G to A substitution at nucleotide position 550. The aspartic acid at codon 184 is replaced by asparagine, an amino acid with highly similar properties. This amino acid position is well conserved in available vertebrate species. In addition, this alteration is predicted to be tolerated by in silico analysis. Since supporting evidence is limited at this time, the clinical significance of this alteration remains unclear.

Labcorp Genetics (formerly Invitae), Labcorp
Classification: Uncertain significance for Distal myopathy with posterior leg and anterior hand involvement; Myofibrillar myopathy 5; Hypertrophic cardiomyopathy 26. Last evaluated: 2024-07-22. Review status: criteria provided, single submitter. Criteria: Invitae Variant Classification Sherloc (09022015). Collection method: clinical testing. Allele origin: germline.
Comment: This sequence change replaces aspartic acid, which is acidic and polar, with asparagine, which is neutral and polar, at codon 184 of the FLNC protein (p.Asp184Asn). This variant is present in population databases (no rsID available, gnomAD 0.01%). This variant has not been reported in the literature in individuals affected with FLNC-related conditions. ClinVar contains an entry for this variant (Variation ID: 837562). Advanced modeling of protein sequence and biophysical properties (such as structural, functional, and spatial information, amino acid conservation, physicochemical variation, residue mobility, and thermodynamic stability) has been performed at Invitae for this missense variant, however the output from this modeling did not meet the statistical confidence thresholds required to predict the impact of this variant on FLNC protein function. In summary, the available evidence is currently insufficient to determine the role of this variant in disease. Therefore, it has been classified as a Variant of Uncertain Significance.

NM_001458.5(FLNC):c.550G>A (p.Asp184Asn)

Gene: FLNC (filamin C; plus strand). Cytogenetic location: 7q32.1.
Variant type: single nucleotide variant.
Coding change: c.550G>A on transcript NM_001458.5 (MANE Select); coding-DNA position 550, G replaced by A.
Protein change: p.Asp184Asn; replaces aspartic acid 184 with asparagine.
Molecular consequence: missense variant.
Genome position (GRCh38, 1-based): chr7:128,835,523, G>A. VCF-style: chr7-128835523-G-A. GRCh37 (hg19) VCF-style: chr7-128475577-G-A.
Other names: c.550G>A, p.Asp184Asn (NM_001127487.2); short protein forms D184N.
Identifiers: ClinVar variation 837562 (VCV000837562.10), dbSNP rs1215344798, ClinGen allele CA369219635.